The following is an entry in ClinVar:

NM_000551.4(VHL):c.34G>T (p.Glu12Ter)

Gene: VHL (von Hippel-Lindau tumor suppressor; plus strand). Cytogenetic location: 3p25.3.
Variant type: single nucleotide variant.
Coding change: c.34G>T on transcript NM_000551.4 (MANE Select); coding-DNA position 34, G replaced by T.
Protein change: p.Glu12Ter; replaces glutamic acid 12 with a stop codon.
Molecular consequence: nonsense.
Genome position (GRCh38, 1-based): chr3:10,141,881, G>T. VCF-style: chr3-10141881-G-T. GRCh37 (hg19) VCF-style: chr3-10183565-G-T.
Other names: c.34G>T, p.Glu12Ter (NM_001354723.2, NM_198156.3); short protein forms E12*.
Identifiers: ClinVar variation 1802709 (VCV001802709.8), dbSNP rs1064794788, ClinGen allele CA351747132.

ClinVar aggregate classification (germline): Uncertain significance. Review status: criteria provided, multiple submitters, no conflicts (2 of 4 stars). 3 submissions from 3 submitters: Uncertain significance (3). Last evaluated 2026-08-10.

Conditions:
Hereditary cancer-predisposing syndrome. Also called: Hereditary Cancer Syndrome; Hereditary neoplastic syndrome; Neoplastic Syndromes, Hereditary; Tumor predisposition. Identifiers: Orphanet 140162, MedGen C0027672, MeSH D009386, MONDO:0015356.
Von Hippel-Lindau syndrome (VHLS). Also called: Von Hippel-Lindau; von Hippel–Lindau syndrome; VHL syndrome. Identifiers: Orphanet 892, MedGen C0019562, MONDO:0008667, OMIM 193300. Disease mechanism: loss of function.

gnomAD v4.1: 1 of 1,533,828 alleles (0.000065%); highest among the groups gnomAD compares: African/African-American, 0.0014%; no homozygotes.

Submissions (3):

Ambry Genetics
Classification: Uncertain significance for Hereditary cancer-predisposing syndrome. Last evaluated: 2026-08-10. Review status: criteria provided, single submitter. Criteria: Ambry Variant Classification Scheme 2023. Collection method: clinical testing. Allele origin: germline.
Comment: The p.E12* variant (also known as c.34G>T), located in coding exon 1 of the VHL gene, results from a G to T substitution at nucleotide position 34. This changes the amino acid from a glutamic acid to a stop codon within coding exon 1. Premature termination codons in the 5&rsquo; end of a gene have been reported to escape nonsense-mediated mRNAdecay and/or lead to re-initiation (Rivas et al. Science. 2015 May 8;348(6235):666-9; Lindeboom et al. Nat Genet. 2016 Oct;48(10):1112-8; Rhee et al. Sci Rep. 2017 May 10;7(1):1653). The exact functional effect of this variant is unknown. Since supporting evidence is limited at this time, the clinical significance of this variant remains unclear.

Center for Genomic Medicine, Rigshospitalet, Copenhagen University Hospital
Classification: Uncertain significance. Last evaluated: 2025-03-04. Review status: criteria provided, single submitter. Criteria: ACMG Guidelines, 2015. Collection method: clinical testing. Allele origin: germline.

All of Us Research Program, National Institutes of Health
Classification: Uncertain significance for Von Hippel-Lindau syndrome. Last evaluated: 2024-09-23. Review status: criteria provided, single submitter. Criteria: ACMG Guidelines, 2015. Collection method: clinical testing. Allele origin: germline. Inheritance: Autosomal dominant inheritance. Observed: 2 variant alleles, 2 heterozygotes.
Comment: This variant changes 1 nucleotide in exon 1 of the VHL gene, creating a premature translation stop signal. This variant is expected to result in an absent or non-functional protein product. However, VHL encodes a smaller protein isoform from internal translation initiation at methionine 54 (PMID: 9671762, 10102622). Functional studies have reported that the smaller protein isoform can rescue VHL functions in renal carcinoma cells lacking endogenous VHL expression (PMID: 9671762, 9751722, 10102622) and a mouse model for VHL start codon loss found that most VHL functions are intact (PMID: 23541568). This nonsense mutation, c.34G>T (p.Glu12*) is not expected to disrupt the expression of the smaller functional isoform. To our knowledge, this variant has not been reported in individuals affected with hereditary cancer in the literature. This variant has been identified in 1/31378 chromosomes in the general population by the Genome Aggregation Database (gnomAD). Loss of VHL function is a known mechanism of disease. The available evidence is insufficient to determine the role of this variant in disease conclusively. Therefore, this variant is classified as a Variant of Uncertain Significance.

This study involves interpretation of variants in research participants for the purpose of population health screening. Participant phenotype was not available at the time of variant classification. Additional details can be found in publication PMID: 35346344, PMCID: PMC8962531

Literature cited by the submitters: PubMed 9671762 (cited by Center for Genomic Medicine, Rigshospitalet, Copenhagen University Hospital and All of Us Research Program, National Institutes of Health); PubMed 9751722 (cited by Center for Genomic Medicine, Rigshospitalet, Copenhagen University Hospital and All of Us Research Program, National Institutes of Health); PubMed 10102622 (cited by All of Us Research Program, National Institutes of Health); PubMed 23541568 (cited by All of Us Research Program, National Institutes of Health).